The following is an entry in ClinVar:

NM_001142800.2(EYS):c.630C>G (p.Tyr210Ter)

Gene: EYS (EGF-like photoreceptor maintenance factor; minus strand). Cytogenetic location: 6q12.
Variant type: single nucleotide variant.
Coding change: c.630C>G on transcript NM_001142800.2 (MANE Select); coding-DNA position 630, C replaced by G.
Protein change: p.Tyr210Ter; replaces tyrosine 210 with a stop codon.
Molecular consequence: nonsense.
Genome position (GRCh38, 1-based): chr6:65,494,781, G>C on the plus strand (C>G on the coding strand, the complement: EYS is on the minus strand). VCF-style: chr6-65494781-G-C. GRCh37 (hg19) VCF-style: chr6-66204674-G-C.
Other names: c.630C>G, p.Tyr210Ter (NM_001142801.2, NM_001292009.2, NM_198283.2); short protein forms Y210*.
Identifiers: ClinVar variation 1459916 (VCV001459916.7), dbSNP rs1469481918, ClinGen allele CA364789487.
Genomic context (GRCh38, chr6:65,494,781, plus strand): 5'-ATTAATGCAACTGCCATTATTTTTACATGGTTTAAAAGAACATGCATCAAGTTCCTGGCA[G>C]TATTTTCCAGAAAATGGAGGCTGGCAATGGCAGCTATATGTCTTGCTCCAAGCTTCACTA-3'

ClinVar aggregate classification (germline): Pathogenic/Likely pathogenic. Review status: criteria provided, multiple submitters, no conflicts (2 of 4 stars). 2 submissions from 2 submitters: Pathogenic (1); Likely pathogenic (1). Last evaluated 2022-10-28.

Conditions:
EYS-related disorder. Also called: EYS-related condition.

Allele frequency attached by ClinVar (database versions not stated): gnomAD exomes below 0.00001; TOPMed below 0.00001; gnomAD 0.00001.
gnomAD v4.1: 2 of 1,613,950 alleles (0.00012%); highest among the groups gnomAD compares: East Asian, 0.0022%; no homozygotes.

Submissions (2):

Blueprint Genetics
Classification: Likely pathogenic for EYS-related disorders. Last evaluated: 2022-10-28. Review status: criteria provided, single submitter. Criteria: ACMG Guidelines, 2015. Collection method: clinical testing. Allele origin: germline. Affected: yes. Observed: 2 variant alleles.

Labcorp Genetics (formerly Invitae), Labcorp
Classification: Pathogenic. Last evaluated: 2021-09-25. Review status: criteria provided, single submitter. Criteria: Invitae Variant Classification Sherloc (09022015). Collection method: clinical testing. Allele origin: germline.
Comment: For these reasons, this variant has been classified as Pathogenic. Algorithms developed to predict the effect of sequence changes on RNA splicing suggest that this variant may create or strengthen a splice site. This variant has not been reported in the literature in individuals affected with EYS-related conditions. This variant is not present in population databases (ExAC no frequency). This sequence change creates a premature translational stop signal (p.Tyr210*) in the EYS gene. It is expected to result in an absent or disrupted protein product. Loss-of-function variants in EYS are known to be pathogenic (PMID: 18836446, 20333770).

Literature cited by the submitters: PubMed 18836446 (cited by Labcorp Genetics (formerly Invitae), Labcorp); PubMed 20333770 (cited by Labcorp Genetics (formerly Invitae), Labcorp).